The following is an entry in ClinVar:

NM_015335.5(MED13L):c.3263C>T (p.Thr1088Ile)

Gene: MED13L (mediator complex subunit 13L; minus strand). Cytogenetic location: 12q24.21.
Variant type: single nucleotide variant.
Coding change: c.3263C>T on transcript NM_015335.5 (MANE Select); coding-DNA position 3263, C replaced by T.
Protein change: p.Thr1088Ile; replaces threonine 1088 with isoleucine.
Molecular consequence: missense variant.
Genome position (GRCh38, 1-based): chr12:115,991,691, G>A on the plus strand (C>T on the coding strand, the complement: MED13L is on the minus strand). VCF-style: chr12-115991691-G-A. GRCh37 (hg19) VCF-style: chr12-116429496-G-A.
Other names: short protein forms T1088I.
Identifiers: ClinVar variation 4056615 (VCV004056615.1).

ClinVar aggregate classification (germline): Uncertain significance (1 of 4 stars; one submission).

Conditions:
Cardiac anomalies - developmental delay - facial dysmorphism syndrome (MRFACD). Also called: Impaired intellectual development and distinctive facial features with or without cardiac defects; MED13L Syndrome. Identifiers: Orphanet 369891, MedGen C5192431, MONDO:0014773, OMIM 616789.

Submission:

Laboratorio de Genetica e Diagnostico Molecular, Hospital Israelita Albert Einstein
Classification: Uncertain significance for Cardiac anomalies - developmental delay - facial dysmorphism syndrome. Last evaluated: 2025-04-17. Review status: criteria provided, single submitter. Criteria: ACMG Guidelines, 2015. Collection method: clinical testing. Allele origin: germline. Affected: yes.
Comment: ACMG classification criteria: PM2 supporting, PP2 supporting